The following is an entry in ClinVar:

ClinVar aggregate classification (germline): Pathogenic/Likely pathogenic. Review status: criteria provided, multiple submitters, no conflicts (2 of 4 stars). 2 submissions from 2 submitters: Pathogenic (1); Likely pathogenic (1). Last evaluated 2024-05-19.

Conditions:
Bardet-Biedl syndrome (BBS). Identifiers: Orphanet 110, MedGen C0752166, MONDO:0015229.
BBS7-related disorder. Also called: BBS7-related condition.

Submissions (2):

Labcorp Genetics (formerly Invitae), Labcorp
Classification: Pathogenic for Bardet-Biedl syndrome. Last evaluated: 2024-05-19. Review status: criteria provided, single submitter. Criteria: Invitae Variant Classification Sherloc (09022015). Collection method: clinical testing. Allele origin: germline.
Comment: This sequence change affects an acceptor splice site in intron 4 of the BBS7 gene. It is expected to disrupt RNA splicing. Variants that disrupt the donor or acceptor splice site typically lead to a loss of protein function (PMID: 16199547), and loss-of-function variants in BBS7 are known to be pathogenic (PMID: 12567324, 19402160, 21209035, 31196119). This variant is not present in population databases (gnomAD no frequency). Disruption of this splice site has been observed in individual(s) with clinical features of Bardet-Biedl syndrome (Invitae). In at least one individual the data is consistent with being in trans (on the opposite chromosome) from a pathogenic variant. ClinVar contains an entry for this variant (Variation ID: 866307). Algorithms developed to predict the effect of sequence changes on RNA splicing suggest that this variant may disrupt the consensus splice site. For these reasons, this variant has been classified as Pathogenic.

Blueprint Genetics
Classification: Likely pathogenic for BBS7-related disorders. Last evaluated: 2019-02-28. Review status: criteria provided, single submitter. Criteria: ACMG Guidelines, 2015. Collection method: clinical testing. Allele origin: germline. Affected: yes. Observed: 1 variant allele.

Literature cited by the submitters: PubMed 16199547 (cited by Labcorp Genetics (formerly Invitae), Labcorp); PubMed 12567324 (cited by Labcorp Genetics (formerly Invitae), Labcorp); PubMed 19402160 (cited by Labcorp Genetics (formerly Invitae), Labcorp); PubMed 21209035 (cited by Labcorp Genetics (formerly Invitae), Labcorp); PubMed 31196119 (cited by Labcorp Genetics (formerly Invitae), Labcorp).

NM_176824.3(BBS7):c.342-2A>G

Gene: BBS7 (Bardet-Biedl syndrome 7; minus strand). Cytogenetic location: 4q27.
Variant type: single nucleotide variant.
Coding change: c.342-2A>G on transcript NM_176824.3 (MANE Select); the canonical splice acceptor site of the intron before coding-DNA position 342, A replaced by G.
Molecular consequence: splice acceptor variant.
Genome position (GRCh38, 1-based): chr4:121,859,180, T>C on the plus strand (A>G on the coding strand, the complement: BBS7 is on the minus strand). VCF-style: chr4-121859180-T-C. GRCh37 (hg19) VCF-style: chr4-122780335-T-C.
Other names: c.342-2A>G (NM_018190.4).
Identifiers: ClinVar variation 866307 (VCV000866307.4), dbSNP rs1560664459, ClinGen allele CA358043526.